The following is an entry in ClinVar:

NM_006031.6(PCNT):c.752_754dup (p.Arg251_Leu252insArg)

Gene: PCNT (pericentrin; plus strand). Cytogenetic location: 21q22.3.
Variant type: Duplication.
Coding change: c.752_754dup on transcript NM_006031.6 (MANE Select); coding-DNA positions 752 to 754, 3 bases duplicated (GCC; older notation c.752_754dupGCC).
Protein change: p.Arg251_Leu252insArg.
Molecular consequence: inframe insertion.
Genome position (GRCh38, 1-based): chr21:46,346,774-46,346,776, GCC duplicated; duplicating any 3 consecutive bases within chr21:46,346,773-46,346,776 gives the same sequence; the c. name uses the placement nearest the transcript's 3' end. VCF-style (leftmost placement, unchanged base first): chr21-46346772-G-GCGC. GRCh37 (hg19) VCF-style: chr21-47766686-G-GCGC.
Other names: c.398_400dup, p.Arg133_Leu134insArg (NM_001315529.2).
Identifiers: ClinVar variation 4989742 (VCV004989742.1).

ClinVar aggregate classification (germline): Uncertain significance (1 of 4 stars; one submission).

Conditions:
PCNT-related disorder. Also called: PCNT-related condition.

Submission:

PreventionGenetics, part of Exact Sciences
Classification: Uncertain significance for PCNT-related condition. Last evaluated: 2025-02-27. Review status: criteria provided, single submitter. Criteria: ACMG Guidelines, 2015. Collection method: clinical testing. Allele origin: germline.
Comment: The PCNT c.752_754dupGCC variant is predicted to result in an in-frame duplication (p.Arg251dup). To our knowledge, this variant has not been reported in the literature or in a large population database (gnomAD), indicating this variant is rare. At this time, the clinical significance of this variant is uncertain due to the absence of conclusive functional and genetic evidence.